The following is an entry in ClinVar:

ClinVar aggregate classification (germline): Uncertain significance (1 of 4 stars; one submission).

Conditions:
Leigh syndrome (NULS). Also called: Leigh's necrotizing encephalopathy; Leigh's disease; Leigh Syndrome (mtDNA deletion); Leigh Disease; Subacute necrotizing encephalopathy; Necrotizing encephalopathy infantile subacute of Leigh. Identifiers: Orphanet 506, MedGen C2931891, MONDO:0009723, OMIM 256000.

Submission:

Wong Mito Lab, Molecular and Human Genetics, Baylor College of Medicine
Classification: Uncertain significance for Leigh syndrome. Last evaluated: 2019-10-17. Review status: criteria provided, single submitter. Criteria: Modified ACMG Guidelines (Unpublished). Collection method: clinical testing. Allele origin: germline.
Comment: The NC_012920.1:m.4480T>C (YP_003024027.1:p.Leu4Pro) variant in MTND2 gene is interpretated to be a Uncertain Significance variant based on the modified ACMG guidelines (unpublished). This variant meets the following evidence codes: BP4, PP7

NC_012920.1(MT-ND2):m.4480T>C

Gene: MT-ND2 (mitochondrially encoded NADH dehydrogenase 2; plus strand).
Variant type: single nucleotide variant.
Genome position: chrM-4480-T-C.
Identifiers: ClinVar variation 692445 (VCV000692445.1), dbSNP rs1603219468, ClinGen allele CA414774563.
Genomic context (GRCh38, chrMT:4,480, plus strand): 5'-AGCTATCGGGCCCATACCCCGAAAATGTTGGTTATACCCTTCCCGTACTAATTAATCCCC[T>C]GGCCCAACCCGTCATCTACTCTACCATCTTTGCAGGCACACTCATCACAGCGCTAAGCTC-3'